The following is an entry in ClinVar:

NM_018474.6(KIZ):c.1236del (p.Lys412fs)

Gene: KIZ (kizuna centrosomal protein; plus strand). Cytogenetic location: 20p11.23.
Variant type: Deletion.
Coding change: c.1236del on transcript NM_018474.6 (MANE Select); coding-DNA position 1236, one base deleted (A; older notation c.1236delA).
Protein change: p.Lys412fs; shifts the reading frame from lysine 412.
Molecular consequence: frameshift variant.
Genome position (GRCh38, 1-based): chr20:21,163,043, A deleted; the last of 4 consecutive A bases (chr20:21,163,040-21,163,043); deleting any one gives the same sequence. VCF-style (leftmost placement, unchanged base first): chr20-21163039-TA-T. GRCh37 (hg19) VCF-style: chr20-21143680-TA-T.
Other names: c.927del, p.Lys309fs (NM_001163022.3, NM_001352435.2); c.837del, p.Lys279fs (NM_001163023.3); c.1089del, p.Lys363fs (NM_001276389.2); c.1236del, p.Lys412fs (NM_001352434.2); c.894del, p.Lys298fs (NM_001352436.2); short protein forms K309fs, K279fs, K298fs, K363fs, K412fs.
Identifiers: ClinVar variation 5006360 (VCV005006360.2).
Genomic context (GRCh38, chr20:21,163,039, plus strand): 5'-GCCCAGAACCACAGCCAAATCCAGGTGGCAAGATGGAGGGAGAAGATGGAATAGAGGCCT[TA>T]AAATTAATCCATGCTGAGCAAGAAAGAGTTGCCCTATCCACTGAAAAAAATTGTATTTTG-3'

ClinVar aggregate classification (germline): Likely pathogenic (1 of 4 stars; one submission).

Conditions:
Retinitis pigmentosa 69 (RP69). Identifiers: Orphanet 791, MedGen C4014312, MONDO:0014345, OMIM 615780.

Submission:

Juno Genomics, Hangzhou Juno Genomics, Inc
Classification: Likely pathogenic for Retinitis pigmentosa 69. Review status: criteria provided, single submitter. Criteria: ACMG Guidelines, 2015. Collection method: clinical testing. Allele origin: germline.
Comment: Null variant in a gene where loss of function (LOF) is a known mechanism of disease.;Absent from controls (or at extremely low frequency if recessive) in Genome Aggregation Database.